The following is an entry in ClinVar:

NM_033087.4(ALG2):c.388C>T (p.Arg130Trp)

Gene: ALG2 (ALG2 alpha-1,3/1,6-mannosyltransferase; minus strand). Cytogenetic location: 9q22.33.
Variant type: single nucleotide variant.
Coding change: c.388C>T on transcript NM_033087.4 (MANE Select); coding-DNA position 388, C replaced by T.
Protein change: p.Arg130Trp; replaces arginine 130 with tryptophan.
Molecular consequence: missense variant. On other transcripts: non-coding transcript variant (1).
Genome position (GRCh38, 1-based): chr9:99,218,797, G>A on the plus strand (C>T on the coding strand, the complement: ALG2 is on the minus strand). VCF-style: chr9-99218797-G-A. GRCh37 (hg19) VCF-style: chr9-101981079-G-A.
Other names: short protein forms R130W.
Identifiers: ClinVar variation 967908 (VCV000967908.7), dbSNP rs780287266, ClinGen allele CA5156333.

ClinVar aggregate classification (germline): Uncertain significance (1 of 4 stars; one submission).

Conditions:
Congenital myasthenic syndrome 14. Also called: Myasthenic syndrome, congenital, 14, with tubular aggregates. Identifiers: Orphanet 353327, Orphanet 590, MedGen C4015597, MONDO:0014543, OMIM 616228.
Congenital disorder of glycosylation, type Ii. Also called: CDG Ii; ALG2-congenital disorder of glycosylation; ALG2-CDG. Identifiers: Orphanet 79326, MedGen C1842836, MONDO:0011933, OMIM 607906.

Allele frequency attached by ClinVar (database versions not stated): gnomAD exomes 0.00006 and 0.00004; TOPMed 0.00006; ExAC 0.00006; gnomAD 0.00004.

Submission:

Labcorp Genetics (formerly Invitae), Labcorp
Classification: Uncertain significance for Congenital disorder of glycosylation, type Ii; Congenital myasthenic syndrome 14. Last evaluated: 2025-07-10. Review status: criteria provided, single submitter. Criteria: Invitae Variant Classification Sherloc (09022015). Collection method: clinical testing. Allele origin: germline.
Comment: This sequence change replaces arginine, which is basic and polar, with tryptophan, which is neutral and slightly polar, at codon 130 of the ALG2 protein (p.Arg130Trp). This variant is present in population databases (rs780287266, gnomAD 0.04%). This variant has not been reported in the literature in individuals affected with ALG2-related conditions. ClinVar contains an entry for this variant (Variation ID: 967908). An algorithm developed to predict the effect of missense changes on protein structure and function (PolyPhen-2) suggests that this variant is likely to be tolerated. In summary, the available evidence is currently insufficient to determine the role of this variant in disease. Therefore, it has been classified as a Variant of Uncertain Significance.